The following is an entry in ClinVar:

NM_144670.6(A2ML1):c.246+5G>A

Genes: A2ML1 (alpha-2-macroglobulin like 1; plus strand), A2ML1-AS1 (A2ML1 antisense RNA 1; minus strand). Cytogenetic location: 12p13.31.
Variant type: single nucleotide variant.
Coding change: c.246+5G>A on transcript NM_144670.6 (MANE Select); 5 bases into the intron after coding-DNA position 246, G replaced by A.
Molecular consequence: intron variant.
Genome position (GRCh38, 1-based): chr12:8,823,370, G>A. VCF-style: chr12-8823370-G-A. GRCh37 (hg19) VCF-style: chr12-8975966-G-A.
Identifiers: ClinVar variation 2028316 (VCV002028316.4), dbSNP rs2539172381, ClinGen allele CA2580086312.
Genomic context (GRCh38, chr12:8,823,370, plus strand): 5'-AGTTGCTAGAATACTCTGGACTGAAGAAGAGGCACTTACATTGTATCTCCTTTCTTGTAA[G>A]CACAGACTCAGCCCTCACTCGAATCCCTTACTTGCCTATTCTCCTCCCTAGGCTCACTAT-3'

ClinVar aggregate classification (germline): Uncertain significance (1 of 4 stars; one submission).

Allele frequency attached by ClinVar (database versions not stated): gnomAD exomes below 0.00001.
gnomAD v4.1: 1 of 1,612,212 alleles (0.000062%); highest among the groups gnomAD compares: Non-Finnish European, 0.000085%; no homozygotes.

Submission:

Labcorp Genetics (formerly Invitae), Labcorp
Classification: Uncertain significance. Last evaluated: 2022-08-31. Review status: criteria provided, single submitter. Criteria: Invitae Variant Classification Sherloc (09022015). Collection method: clinical testing. Allele origin: germline.
Comment: In summary, the available evidence is currently insufficient to determine the role of this variant in disease. Therefore, it has been classified as a Variant of Uncertain Significance. Variants that disrupt the consensus splice site are a relatively common cause of aberrant splicing (PMID: 17576681, 9536098). Algorithms developed to predict the effect of sequence changes on RNA splicing suggest that this variant may disrupt the consensus splice site. This variant has not been reported in the literature in individuals affected with A2ML1-related conditions. This variant is not present in population databases (gnomAD no frequency). This sequence change falls in intron 2 of the A2ML1 gene. It does not directly change the encoded amino acid sequence of the A2ML1 protein. It affects a nucleotide within the consensus splice site.

Literature cited by the submitters: PubMed 17576681; PubMed 9536098.